The following is an entry in ClinVar:

ClinVar aggregate classification (germline): Uncertain significance (1 of 4 stars; one submission).

Conditions:
Neuropathy, hereditary sensory and autonomic, type 2A (HSAN2A). Also called: HSAN IIA; WNK1-Related HSAN2 (HSAN2A); ACROOSTEOLYSIS, GIACCAI TYPE; ACROOSTEOLYSIS, NEUROGENIC; MORVAN DISEASE; NEUROPATHY, CONGENITAL SENSORY. Identifiers: Orphanet 970, MedGen C2752089, MONDO:0024309, OMIM 201300.
Generalized epilepsy with febrile seizures plus, type 7 (GEFSP7). Also called: GEFS+, TYPE 7. Identifiers: Orphanet 36387, MedGen C2751778, MONDO:0013470, OMIM 613863.

Allele frequency attached by ClinVar (database versions not stated): ExAC 0.00001; gnomAD exomes 0.00002.
gnomAD v4.1: 14 of 1,614,112 alleles (0.00087%); highest among the groups gnomAD compares: South Asian, 0.015%; 1 homozygote.

Submission:

Labcorp Genetics (formerly Invitae), Labcorp
Classification: Uncertain significance for Neuropathy, hereditary sensory and autonomic, type 2A; Generalized epilepsy with febrile seizures plus, type 7. Last evaluated: 2023-08-08. Review status: criteria provided, single submitter. Criteria: Invitae Variant Classification Sherloc (09022015). Collection method: clinical testing. Allele origin: germline.
Comment: This sequence change replaces glutamic acid, which is acidic and polar, with glutamine, which is neutral and polar, at codon 1787 of the SCN9A protein (p.Glu1787Gln). This variant is present in population databases (rs770416478, gnomAD 0.01%). This variant has not been reported in the literature in individuals affected with SCN9A-related conditions. Advanced modeling of protein sequence and biophysical properties (such as structural, functional, and spatial information, amino acid conservation, physicochemical variation, residue mobility, and thermodynamic stability) performed at Invitae indicates that this missense variant is not expected to disrupt SCN9A protein function. In summary, the available evidence is currently insufficient to determine the role of this variant in disease. Therefore, it has been classified as a Variant of Uncertain Significance.

NM_001365536.1(SCN9A):c.5392G>C (p.Glu1798Gln)

Genes: SCN1A-AS1 (SCN1A and SCN9A antisense RNA 1; plus strand), SCN9A (sodium voltage-gated channel alpha subunit 9; minus strand). Cytogenetic location: 2q24.3.
Variant type: single nucleotide variant.
Coding change: c.5392G>C on transcript NM_001365536.1 (MANE Select); coding-DNA position 5392, G replaced by C.
Protein change: p.Glu1798Gln; replaces glutamic acid 1798 with glutamine.
Molecular consequence: missense variant.
Genome position (GRCh38, 1-based): chr2:166,199,247, C>G on the plus strand (G>C on the coding strand, the complement: SCN9A is on the minus strand). VCF-style: chr2-166199247-C-G. GRCh37 (hg19) VCF-style: chr2-167055757-C-G.
Other names: c.5359G>C, p.Glu1787Gln (NM_002977.4); short protein forms E1798Q, E1787Q.
Identifiers: ClinVar variation 2945232 (VCV002945232.3), dbSNP rs770416478, ClinGen allele CA1943685.